The following is an entry in ClinVar:

ClinVar aggregate classification (germline): Conflicting classifications of pathogenicity. Review status: criteria provided, conflicting classifications (1 of 4 stars). 4 submissions from 4 submitters: Likely pathogenic (1); Uncertain significance (3). Last evaluated 2025-03-17.

Conditions:
Fanconi anemia, complementation group S (FANCS). Identifiers: MedGen C4554406, MONDO:0054748, OMIM 617883.
Hereditary cancer-predisposing syndrome. Also called: Neoplastic Syndromes, Hereditary; Hereditary neoplastic syndrome; Tumor predisposition; Hereditary Cancer Syndrome. Identifiers: Orphanet 140162, MedGen C0027672, MeSH D009386, MONDO:0015356.
Breast-ovarian cancer, familial, susceptibility to, 1 (BROVCA1). Also called: BRCA1 Hereditary Breast and Ovarian Cancer; OVARIAN CANCER, SUSCEPTIBILITY TO. Identifiers: Orphanet 145, MedGen C2676676, MONDO:0011450, OMIM 604370. Disease mechanism: loss of function.

Allele frequency attached by ClinVar (database versions not stated): TOPMed below 0.00001; gnomAD 0.00001.

Submissions (4):

Color Diagnostics, LLC DBA Color Health
Classification: Uncertain significance for Hereditary cancer-predisposing syndrome. Last evaluated: 2025-03-17. Review status: criteria provided, single submitter. Criteria: ACMG Guidelines, 2015. Collection method: clinical testing. Allele origin: germline.
Comment: This variant causes a T to C nucleotide substitution in the 3' untranslated region (UTR) of the BRCA1 gene. This variant has been reported in an individual affected with breast cancer (PMID: 22753153). This variant was predicted to induce structural changes to the 3' UTR and impact microRNA binding (PMID: 22753153). A partial reduction of luciferase gene expression was observed when regulated by the BRCA1 3' UTR sequence harboring the variant (PMID: 22753153). This variant has not been identified in the general population by the Genome Aggregation Database (gnomAD). The available evidence is insufficient to determine the role of this variant in disease conclusively. Therefore, this variant is classified as a Variant of Uncertain Significance.

Baylor Genetics
Classification: Uncertain significance for Breast-ovarian cancer, familial, susceptibility to, 1. Last evaluated: 2024-01-10. Review status: criteria provided, single submitter. Criteria: ACMG Guidelines, 2015. Collection method: clinical testing. Allele origin: unknown.

Ambry Genetics
Classification: Uncertain significance for Hereditary cancer-predisposing syndrome. Last evaluated: 2018-11-26. Review status: criteria provided, single submitter. Criteria: Ambry Variant Classification Scheme 2023. Collection method: clinical testing. Allele origin: germline.
Comment: The c.*1271T>C variant is located in the 3' untranslated region (3&rsquo; UTR) of the BRCA1 gene. This variant results from a T to C substitution 1271 nucleotides downstream of the last translated codon. This nucleotide position is highly conserved in available vertebrate species. This alteration showed a modest decrease in luciferase activity in multiple human breast cancer cell lines (Brewster BL et al. Hum Mutat. 2012 Dec;33(12):1665-75). Since supporting evidence is limited at this time, the clinical significance of this alteration remains unclear.

Department of Pathology and Laboratory Medicine, Sinai Health System
Classification: Likely pathogenic for Fanconi anemia, complementation group S. Review status: criteria provided, single submitter. Criteria: ACMG Guidelines, 2015. Collection method: clinical testing. Allele origin: germline.

Literature cited by the submitters: PubMed 22753153 (cited by Color Diagnostics, LLC DBA Color Health).

NM_007294.4(BRCA1):c.*1271T>C

Gene: BRCA1 (BRCA1 DNA repair associated; minus strand). Cytogenetic location: 17q21.31.
Variant type: single nucleotide variant.
Coding change: c.*1271T>C on transcript NM_007294.4 (MANE Select); 1271 bases downstream of the stop codon, T replaced by C.
Molecular consequence: 3 prime UTR variant. On other transcripts: non-coding transcript variant (1).
Genome position (GRCh38, 1-based): chr17:43,044,407, A>G on the plus strand (T>C on the coding strand, the complement: BRCA1 is on the minus strand). VCF-style: chr17-43044407-A-G. GRCh37 (hg19) VCF-style: chr17-41196424-A-G.
Other names: c.*1271T>C (NM_001407618.1, NM_001407619.1, NM_001407620.1 and 348 more transcripts); c.*1377T>C (NM_001407937.1, NM_001407938.1, NM_001407939.1 and 14 more transcripts).
Identifiers: ClinVar variation 441519 (VCV000441519.13), dbSNP rs1555574034, ClinGen allele CA658653683.
Genomic context (GRCh38, chr17:43,044,407, plus strand): 5'-AAAACGTATTTTGTACAATCAAGTCTTCACTGCCCTTGCACACTGGGGGGGCTAGGGAAG[A>G]CCTAGTCCTTCCAACAGCTATAAACAGTCCTGGATAATGGGTTTATGAAAAACACTTTTT-3'